The following is an entry in ClinVar:

NM_001020658.2(PUM1):c.529T>G (p.Trp177Gly)

Gene: PUM1 (pumilio RNA binding family member 1; minus strand). Cytogenetic location: 1p35.2.
Variant type: single nucleotide variant.
Coding change: c.529T>G on transcript NM_001020658.2 (MANE Select); coding-DNA position 529, T replaced by G.
Protein change: p.Trp177Gly; replaces tryptophan 177 with glycine.
Molecular consequence: missense variant.
Genome position (GRCh38, 1-based): chr1:31,007,006, A>C on the plus strand (T>G on the coding strand, the complement: PUM1 is on the minus strand). VCF-style: chr1-31007006-A-C. GRCh37 (hg19) VCF-style: chr1-31479853-A-C.
Other names: c.529T>G, p.Trp177Gly (NM_014676.3); short protein forms W177G.
Identifiers: ClinVar variation 5037597 (VCV005037597.1).

ClinVar aggregate classification (germline): Uncertain significance (1 of 4 stars; one submission).

Submission:

GeneDx
Classification: Uncertain significance. Last evaluated: 2026-04-22. Review status: criteria provided, single submitter. Criteria: GeneDx Variant Classification Process June 2021. Collection method: clinical testing. Allele origin: germline.
Comment: Not observed at significant frequency in large population cohorts (gnomAD); In silico analysis supports that this missense variant has a deleterious effect on protein structure/function; Has not been previously published as pathogenic or benign to our knowledge